The following is an entry in ClinVar:

NM_001267550.2(TTN):c.82474C>T (p.Arg27492Cys)

Genes: TTN (titin; minus strand), TTN-AS1 (TTN antisense RNA 1; plus strand). Cytogenetic location: 2q31.2.
Variant type: single nucleotide variant.
Coding change: c.82474C>T on transcript NM_001267550.2 (MANE Select); coding-DNA position 82474, C replaced by T.
Protein change: p.Arg27492Cys; replaces arginine 27492 with cysteine.
Molecular consequence: missense variant.
Genome position (GRCh38, 1-based): chr2:178,563,658, G>A on the plus strand (C>T on the coding strand, the complement: TTN is on the minus strand). VCF-style: chr2-178563658-G-A. GRCh37 (hg19) VCF-style: chr2-179428385-G-A.
Other names: c.77551C>T, p.Arg25851Cys (NM_001256850.1); c.55279C>T, p.Arg18427Cys (NM_003319.4); c.74770C>T, p.Arg24924Cys (NM_133378.4); c.55654C>T, p.Arg18552Cys (NM_133432.3); c.55855C>T, p.Arg18619Cys (NM_133437.4); short protein forms R27492C, R24924C, R25851C, R18619C, R18427C, R18552C.
Identifiers: ClinVar variation 535512 (VCV000535512.7), dbSNP rs767221784, ClinGen allele CA1989066.

ClinVar aggregate classification (germline): Uncertain significance. Review status: criteria provided, multiple submitters, no conflicts (2 of 4 stars). 4 submissions from 4 submitters: Uncertain significance (4). Last evaluated 2026-09-17.

Conditions:
Cardiovascular phenotype. Identifiers: MedGen CN230736.
Dilated cardiomyopathy 1G (CMD1G). Identifiers: Orphanet 154, MedGen C1858763, MONDO:0011400, OMIM 604145.
Autosomal recessive limb-girdle muscular dystrophy type 2J (LGMDR10). Also called: MUSCULAR DYSTROPHY, LIMB-GIRDLE, AUTOSOMAL RECESSIVE 10; Limb-girdle muscular dystrophy, type 2J. Identifiers: Orphanet 140922, MedGen C1837342, MONDO:0012127, OMIM 608807.
TTN-related disorder. Also called: TTN-related condition; TTN-related disease; TTN-related disorders.

Allele frequency attached by ClinVar (database versions not stated): ExAC 0.00002; gnomAD 0.00003 and 0.00004; gnomAD exomes 0.00003; TOPMed 0.00004.
gnomAD v4.1: 28 of 1,613,568 alleles (0.0017%); highest among the groups gnomAD compares: Admixed American, 0.012%; no homozygotes.

Submissions (4):

PreventionGenetics, part of Exact Sciences
Classification: Uncertain significance for TTN-related condition. Last evaluated: 2026-09-17. Review status: criteria provided, single submitter. Criteria: ACMG Guidelines, 2015. Collection method: clinical testing. Allele origin: germline.
Comment: The TTN c.82474C>T variant is predicted to result in the amino acid substitution p.Arg27492Cys. To our knowledge, this variant has not been reported in the literature. This variant is reported in 0.011% of alleles in individuals of Latino descent in gnomAD. At this time, the clinical significance of this variant is uncertain due to the absence of conclusive functional and genetic evidence.

Revvity Omics, Revvity
Classification: Uncertain significance. Last evaluated: 2023-11-16. Review status: criteria provided, single submitter. Criteria: ACMG Guidelines, 2015. Collection method: clinical testing. Allele origin: germline.

Ambry Genetics
Classification: Uncertain significance for Cardiovascular phenotype. Last evaluated: 2020-01-14. Review status: criteria provided, single submitter. Criteria: Ambry Variant Classification Scheme 2023. Collection method: clinical testing. Allele origin: germline.
Comment: The p.R18427C variant (also known as c.55279C>T), located in coding exon 153 of the TTN gene, results from a C to T substitution at nucleotide position 55279. The arginine at codon 18427 is replaced by cysteine, an amino acid with highly dissimilar properties. This amino acid position is well conserved in available vertebrate species. In addition, this alteration is predicted to be tolerated by in silico analysis. Since supporting evidence is limited at this time, the clinical significance of this alteration remains unclear.

Labcorp Genetics (formerly Invitae), Labcorp
Classification: Uncertain significance for Dilated cardiomyopathy 1G; Autosomal recessive limb-girdle muscular dystrophy type 2J. Last evaluated: 2017-12-22. Review status: criteria provided, single submitter. Criteria: Invitae Variant Classification Sherloc (09022015). Collection method: clinical testing. Allele origin: germline.